The following is an entry in ClinVar:

NM_001846.4(COL4A2):c.1545_1546del (p.Asp516fs)

Genes: COL4A2 (collagen type IV alpha 2 chain; plus strand), COL4A2-AS2 (COL4A2 antisense RNA 2; minus strand). Cytogenetic location: 13q34.
Variant type: Deletion.
Coding change: c.1545_1546del on transcript NM_001846.4 (MANE Select); coding-DNA positions 1545 to 1546, 2 bases deleted (GG; older notation c.1545_1546delGG).
Protein change: p.Asp516fs; shifts the reading frame from aspartic acid 516.
Molecular consequence: frameshift variant.
Genome position (GRCh38, 1-based): chr13:110,458,883-110,458,884, GG deleted; deleting any 2 consecutive bases within chr13:110,458,881-110,458,884 gives the same sequence; the c. name uses the placement nearest the transcript's 3' end. VCF-style (leftmost placement, unchanged base first): chr13-110458880-AGG-A. GRCh37 (hg19) VCF-style: chr13-111111227-AGG-A.
Other names: short protein forms D516fs.
Identifiers: ClinVar variation 1395887 (VCV001395887.6), dbSNP rs2139493765, ClinGen allele CA2573149453.

ClinVar aggregate classification (germline): Pathogenic (1 of 4 stars; one submission).

Submission:

Labcorp Genetics (formerly Invitae), Labcorp
Classification: Pathogenic. Last evaluated: 2025-02-24. Review status: criteria provided, single submitter. Criteria: Invitae Variant Classification Sherloc (09022015). Collection method: clinical testing. Allele origin: germline.
Comment: This sequence change creates a premature translational stop signal (p.Asp516Glnfs*42) in the COL4A2 gene. It is expected to result in an absent or disrupted protein product. Loss-of-function variants in COL4A2 are known to be pathogenic (PMID: 22333902, 30315939). This variant is not present in population databases (gnomAD no frequency). This variant has not been reported in the literature in individuals affected with COL4A2-related conditions. ClinVar contains an entry for this variant (Variation ID: 1395887). For these reasons, this variant has been classified as Pathogenic.

Literature cited by the submitters: PubMed 22333902; PubMed 30315939.